The following is an entry in ClinVar:

NM_000545.8(HNF1A):c.251C>T (p.Pro84Leu)

Gene: HNF1A (HNF1 homeobox A; plus strand). Cytogenetic location: 12q24.31.
Variant type: single nucleotide variant.
Coding change: c.251C>T on transcript NM_000545.8 (MANE Select); coding-DNA position 251, C replaced by T.
Protein change: p.Pro84Leu; replaces proline 84 with leucine.
Molecular consequence: missense variant.
Genome position (GRCh38, 1-based): chr12:120,979,019, C>T. VCF-style: chr12-120979019-C-T. GRCh37 (hg19) VCF-style: chr12-121416822-C-T.
Other names: c.251C>T, p.Pro84Leu (NM_001306179.2, NM_001406915.1); short protein forms P84L.
Identifiers: ClinVar variation 3648920 (VCV003648920.2).

ClinVar aggregate classification (germline): Uncertain significance (1 of 4 stars; one submission).

Submission:

Labcorp Genetics (formerly Invitae), Labcorp
Classification: Uncertain significance. Last evaluated: 2024-04-05. Review status: criteria provided, single submitter. Criteria: Invitae Variant Classification Sherloc (09022015). Collection method: clinical testing. Allele origin: germline.
Comment: This sequence change replaces proline, which is neutral and non-polar, with leucine, which is neutral and non-polar, at codon 84 of the HNF1A protein (p.Pro84Leu). This variant is not present in population databases (gnomAD no frequency). This variant has not been reported in the literature in individuals affected with HNF1A-related conditions. Advanced modeling of protein sequence and biophysical properties (such as structural, functional, and spatial information, amino acid conservation, physicochemical variation, residue mobility, and thermodynamic stability) performed at Invitae indicates that this missense variant is not expected to disrupt HNF1A protein function with a negative predictive value of 80%. In summary, the available evidence is currently insufficient to determine the role of this variant in disease. Therefore, it has been classified as a Variant of Uncertain Significance.